The following is an entry in ClinVar:

NM_001199138.2(NLRC4):c.1765G>C (p.Gly589Arg)

Gene: NLRC4 (NLR family CARD domain containing 4; minus strand). Cytogenetic location: 2p22.3.
Variant type: single nucleotide variant.
Coding change: c.1765G>C on transcript NM_001199138.2 (MANE Select); coding-DNA position 1765, G replaced by C.
Protein change: p.Gly589Arg; replaces glycine 589 with arginine.
Molecular consequence: missense variant. On other transcripts: intron variant (1).
Genome position (GRCh38, 1-based): chr2:32,250,099, C>G on the plus strand (G>C on the coding strand, the complement: NLRC4 is on the minus strand). VCF-style: chr2-32250099-C-G. GRCh37 (hg19) VCF-style: chr2-32475168-C-G.
Other names: c.1765G>C, p.Gly589Arg (NM_001199139.2, NM_021209.5); c.262+2320G>C (NM_001302504.1); short protein forms G589R.
Identifiers: ClinVar variation 4787888 (VCV004787888.1).
Genomic context (GRCh38, chr2:32,250,099, plus strand): 5'-GGGCACTTGCACAATTGGGCAAATGTTCAAAGAAGTCAAATAAGTAATCGGGGATGTTCC[C>G]TGAGTTGATATATAAGCTTTTACCTTGAAAGAAAGCTTCAAATTCTTGGCTCAGGGCTGA-3'
Protein context (NP_001186067.1, residues 579-599): FQGKSLYINS[Gly589Arg]NIPDYLFDFF

ClinVar aggregate classification (germline): Uncertain significance (1 of 4 stars; one submission).

Conditions:
Periodic fever-infantile enterocolitis-autoinflammatory syndrome. Also called: Autoinflammation with infantile enterocolitis. Identifiers: Orphanet 436166, MedGen C4015067, MONDO:0014472, OMIM 616050.
Familial cold autoinflammatory syndrome 4 (FCAS4). Identifiers: Orphanet 47045, Orphanet 576349, MedGen C4015276, MONDO:0014498, OMIM 616115.

gnomAD v4.1: 1 of 1,614,040 alleles (0.000062%); highest among the groups gnomAD compares: Admixed American, 0.0017%; no homozygotes.

Submission:

Labcorp Genetics (formerly Invitae), Labcorp
Classification: Uncertain significance for Periodic fever-infantile enterocolitis-autoinflammatory syndrome; Familial cold autoinflammatory syndrome 4. Last evaluated: 2025-03-22. Review status: criteria provided, single submitter. Criteria: Invitae Variant Classification Sherloc (09022015). Collection method: clinical testing. Allele origin: germline.
Comment: This sequence change replaces glycine, which is neutral and non-polar, with arginine, which is basic and polar, at codon 589 of the NLRC4 protein (p.Gly589Arg). This variant is present in population databases (rs773784182, gnomAD 0.003%). This variant has not been reported in the literature in individuals affected with NLRC4-related conditions. Invitae Evidence Modeling of protein sequence and biophysical properties (such as structural, functional, and spatial information, amino acid conservation, physicochemical variation, residue mobility, and thermodynamic stability) indicates that this missense variant is not expected to disrupt NLRC4 protein function with a negative predictive value of 80%. In summary, the available evidence is currently insufficient to determine the role of this variant in disease. Therefore, it has been classified as a Variant of Uncertain Significance.